The following is an entry in ClinVar:

ClinVar aggregate classification (germline): Uncertain significance (1 of 4 stars; one submission).

Submission:

Labcorp Genetics (formerly Invitae), Labcorp
Classification: Uncertain significance. Last evaluated: 2025-12-30. Review status: criteria provided, single submitter. Criteria: Invitae Variant Classification Sherloc (09022015). Collection method: clinical testing. Allele origin: germline.
Comment: This sequence change replaces glutamic acid, which is acidic and polar, with aspartic acid, which is acidic and polar, at codon 2538 of the TRRAP protein (p.Glu2538Asp). This variant is not present in population databases (gnomAD no frequency). This variant has not been reported in the literature in individuals affected with TRRAP-related conditions. ClinVar contains an entry for this variant (Variation ID: 3679093). An algorithm developed to predict the effect of missense changes on protein structure and function (PolyPhen-2) suggests that this variant is likely to be tolerated. In summary, the available evidence is currently insufficient to determine the role of this variant in disease. Therefore, it has been classified as a Variant of Uncertain Significance.

NM_001375524.1(TRRAP):c.7689G>C (p.Glu2563Asp)

Gene: TRRAP (transformation/transcription domain associated protein; plus strand). Cytogenetic location: 7q22.1.
Variant type: single nucleotide variant.
Coding change: c.7689G>C on transcript NM_001375524.1 (MANE Select); coding-DNA position 7689, G replaced by C.
Protein change: p.Glu2563Asp; replaces glutamic acid 2563 with aspartic acid.
Molecular consequence: missense variant.
Genome position (GRCh38, 1-based): chr7:98,970,288, G>C. VCF-style: chr7-98970288-G-C. GRCh37 (hg19) VCF-style: chr7-98567911-G-C.
Other names: c.7668G>C, p.Glu2556Asp (NM_001244580.2); c.7614G>C, p.Glu2538Asp (NM_003496.4); short protein forms E2556D, E2538D, E2563D.
Identifiers: ClinVar variation 3679093 (VCV003679093.2).